The following is an entry in ClinVar:

ClinVar aggregate classification (germline): Uncertain significance. Review status: criteria provided, multiple submitters, no conflicts (2 of 4 stars). 2 submissions from 2 submitters: Uncertain significance (2). Last evaluated 2023-05-15.

Conditions:
LAMA2-related muscular dystrophy (LAMA2-RD). Also called: Laminin alpha 2-related dystrophy. Identifiers: MedGen C5679788, MONDO:0100228.

Allele frequency attached by ClinVar (database versions not stated): gnomAD below 0.00001 and 0.00001; ExAC 0.00001; gnomAD exomes 0.00001; TOPMed 0.00001.
gnomAD v4.1: 17 of 1,613,832 alleles (0.0011%); highest among the groups gnomAD compares: South Asian, 0.013%; no homozygotes.

Submissions (2):

Revvity Omics, Revvity
Classification: Uncertain significance. Last evaluated: 2023-05-15. Review status: criteria provided, single submitter. Criteria: ACMG Guidelines, 2015. Collection method: clinical testing. Allele origin: germline.

Labcorp Genetics (formerly Invitae), Labcorp
Classification: Uncertain significance for LAMA2-related muscular dystrophy. Last evaluated: 2022-06-30. Review status: criteria provided, single submitter. Criteria: Invitae Variant Classification Sherloc (09022015). Collection method: clinical testing. Allele origin: germline.
Comment: This sequence change replaces proline, which is neutral and non-polar, with leucine, which is neutral and non-polar, at codon 189 of the LAMA2 protein (p.Pro189Leu). This variant is present in population databases (rs575725137, gnomAD 0.01%). This variant has not been reported in the literature in individuals affected with LAMA2-related conditions. ClinVar contains an entry for this variant (Variation ID: 543866). Advanced modeling of protein sequence and biophysical properties (such as structural, functional, and spatial information, amino acid conservation, physicochemical variation, residue mobility, and thermodynamic stability) performed at Invitae indicates that this missense variant is not expected to disrupt LAMA2 protein function. In summary, the available evidence is currently insufficient to determine the role of this variant in disease. Therefore, it has been classified as a Variant of Uncertain Significance.

NM_000426.4(LAMA2):c.566C>T (p.Pro189Leu)

Gene: LAMA2 (laminin subunit alpha 2; plus strand). Cytogenetic location: 6q22.33.
Variant type: single nucleotide variant.
Coding change: c.566C>T on transcript NM_000426.4 (MANE Select); coding-DNA position 566, C replaced by T.
Protein change: p.Pro189Leu; replaces proline 189 with leucine.
Molecular consequence: missense variant.
Genome position (GRCh38, 1-based): chr6:129,098,342, C>T. VCF-style: chr6-129098342-C-T. GRCh37 (hg19) VCF-style: chr6-129419487-C-T.
Other names: c.566C>T, p.Pro189Leu (NM_001079823.2); short protein forms P189L.
Identifiers: ClinVar variation 543866 (VCV000543866.5), dbSNP rs575725137, ClinGen allele CA3992365.